The following is an entry in ClinVar:

ClinVar aggregate classification (germline): Uncertain significance (1 of 4 stars; one submission).

Conditions:
Inborn genetic diseases. Identifiers: MedGen C0950123, MeSH D030342.

Submission:

Ambry Genetics
Classification: Uncertain significance for Inborn genetic diseases. Last evaluated: 2023-07-05. Review status: criteria provided, single submitter. Criteria: Ambry Variant Classification Scheme 2023. Collection method: clinical testing. Allele origin: germline.
Comment: The p.H120D variant (also known as c.358C>G), located in coding exon 4 of the ATR gene, results from a C to G substitution at nucleotide position 358. The histidine at codon 120 is replaced by aspartic acid, an amino acid with similar properties. This amino acid position is conserved. In addition, this alteration is predicted to be deleterious by in silico analysis. Since supporting evidence is limited at this time, the clinical significance of this alteration remains unclear.

NM_001184.4(ATR):c.358C>G (p.His120Asp)

Gene: ATR (ATR checkpoint kinase; minus strand). Cytogenetic location: 3q23.
Variant type: single nucleotide variant.
Coding change: c.358C>G on transcript NM_001184.4 (MANE Select); coding-DNA position 358, C replaced by G.
Protein change: p.His120Asp; replaces histidine 120 with aspartic acid.
Molecular consequence: missense variant.
Genome position (GRCh38, 1-based): chr3:142,563,044, G>C on the plus strand (C>G on the coding strand, the complement: ATR is on the minus strand). VCF-style: chr3-142563044-G-C. GRCh37 (hg19) VCF-style: chr3-142281886-G-C.
Other names: c.358C>G, p.His120Asp (NM_001354579.2); short protein forms H120D.
Identifiers: ClinVar variation 2624931 (VCV002624931.2), dbSNP rs777916915, ClinGen allele CA354827307.